The following is an entry in ClinVar:

ClinVar aggregate classification (germline): Uncertain significance. Review status: criteria provided, multiple submitters, no conflicts (2 of 4 stars). 3 submissions from 3 submitters: Uncertain significance (3). Last evaluated 2025-09-11.

Conditions:
Multiple endocrine neoplasia, type 2 (MEN2). Identifiers: Orphanet 653, MedGen C4048306, MONDO:0019003. Disease mechanism: gain of function.
Hereditary cancer-predisposing syndrome. Also called: Hereditary neoplastic syndrome; Neoplastic Syndromes, Hereditary; Hereditary Cancer Syndrome; Tumor predisposition. Identifiers: Orphanet 140162, MedGen C0027672, MeSH D009386, MONDO:0015356.

Allele frequency attached by ClinVar (database versions not stated): gnomAD exomes 0.00001.
gnomAD v4.1: 10 of 1,613,408 alleles (0.00062%); highest among the groups gnomAD compares: Non-Finnish European, 0.00085%; no homozygotes.

Submissions (3):

Color Diagnostics, LLC DBA Color Health
Classification: Uncertain significance for Multiple endocrine neoplasia, type 2. Last evaluated: 2025-09-11. Review status: criteria provided, single submitter. Criteria: ACMG Guidelines, 2015. Collection method: clinical testing. Allele origin: germline.
Comment: This missense variant replaces phenylalanine with leucine at codon 612 of the RET protein. Computational prediction suggests that this variant may not impact protein structure and function. To our knowledge, functional studies have not been reported for this variant. This variant has not been reported in individuals affected with RET-related disorders in the literature. This variant has not been identified in the general population by the Genome Aggregation Database (gnomAD). The available evidence is insufficient to determine the role of this variant in disease conclusively. Therefore, this variant is classified as a Variant of Uncertain Significance.

Ambry Genetics
Classification: Uncertain significance for Hereditary cancer-predisposing syndrome. Last evaluated: 2025-05-21. Review status: criteria provided, single submitter. Criteria: Ambry Variant Classification Scheme 2023. Collection method: clinical testing. Allele origin: germline.
Comment: The p.F612L variant (also known as c.1834T>C), located in coding exon 10 of the RET gene, results from a T to C substitution at nucleotide position 1834. The phenylalanine at codon 612 is replaced by leucine, an amino acid with highly similar properties. This amino acid position is highly conserved in available vertebrate species. In addition, the in silico prediction for this alteration is inconclusive. Since supporting evidence is limited at this time, the clinical significance of this alteration remains unclear.

Labcorp Genetics (formerly Invitae), Labcorp
Classification: Uncertain significance for Multiple endocrine neoplasia, type 2. Last evaluated: 2023-08-24. Review status: criteria provided, single submitter. Criteria: Invitae Variant Classification Sherloc (09022015). Collection method: clinical testing. Allele origin: germline.
Comment: In summary, the available evidence is currently insufficient to determine the role of this variant in disease. Therefore, it has been classified as a Variant of Uncertain Significance. An algorithm developed to predict the effect of missense changes on protein structure and function (PolyPhen-2) suggests that this variant is likely to be tolerated. ClinVar contains an entry for this variant (Variation ID: 2166006). This variant has not been reported in the literature in individuals affected with RET-related conditions. This variant is not present in population databases (gnomAD no frequency). This sequence change replaces phenylalanine, which is neutral and non-polar, with leucine, which is neutral and non-polar, at codon 612 of the RET protein (p.Phe612Leu).

NM_020975.6(RET):c.1834T>C (p.Phe612Leu)

Gene: RET (ret proto-oncogene; plus strand). Cytogenetic location: 10q11.21.
Variant type: single nucleotide variant.
Coding change: c.1834T>C on transcript NM_020975.6 (MANE Select); coding-DNA position 1834, T replaced by C.
Protein change: p.Phe612Leu; replaces phenylalanine 612 with leucine.
Molecular consequence: missense variant.
Genome position (GRCh38, 1-based): chr10:43,113,630, T>C. VCF-style: chr10-43113630-T-C. GRCh37 (hg19) VCF-style: chr10-43609078-T-C.
Other names: c.1834T>C, p.Phe612Leu (NM_000323.2, NM_001406743.1, NM_001406744.1 and 6 more transcripts); c.1072T>C, p.Phe358Leu (NM_001355216.2); c.1705T>C, p.Phe569Leu (NM_001406761.1, NM_001406762.1, NM_001406764.1 and 1 more transcripts); c.1546T>C, p.Phe516Leu (NM_001406766.1, NM_001406767.1, NM_001406770.1); c.1438T>C, p.Phe480Leu (NM_001406769.1, NM_001406772.1); c.1396T>C, p.Phe466Leu (NM_001406771.1, NM_001406773.1); c.1309T>C, p.Phe437Leu (NM_001406774.1); c.1108T>C, p.Phe370Leu (NM_001406775.1, NM_001406776.1, NM_001406777.1 and 1 more transcripts); and 5 more; short protein forms F313L, F437L, F569L, F282L, F358L, F129L, F466L, F612L.
Identifiers: ClinVar variation 2166006 (VCV002166006.7), dbSNP rs2132829812, ClinGen allele CA376552771.